The following is an entry in ClinVar:

ClinVar aggregate classification (germline): Likely benign. Review status: criteria provided, single submitter (1 of 4 stars). 2 submissions from 2 submitters: Likely benign (1). 1 of the submissions does not count toward it. Last evaluated 2025-06-19.

Conditions:
UTP4-related disorder. Also called: UTP4-related condition.

Allele frequency attached by ClinVar (database versions not stated): gnomAD 0.00015; TOPMed 0.00019; ExAC 0.00004.

Submissions (2):

Labcorp Genetics (formerly Invitae), Labcorp
Classification: Likely benign. Last evaluated: 2025-06-19. Review status: criteria provided, single submitter. Criteria: Invitae Variant Classification Sherloc (09022015). Collection method: clinical testing. Allele origin: germline.

PreventionGenetics, part of Exact Sciences
Classification: Likely benign for UTP4-related condition. Last evaluated: 2022-05-10. Review status: no assertion criteria provided. Collection method: clinical testing. Allele origin: germline. Not counted in ClinVar's aggregate classification.
Comment: This variant is classified as likely benign based on ACMG/AMP sequence variant interpretation guidelines (Richards et al. 2015 PMID: 25741868, with internal and published modifications).

NM_032830.3(UTP4):c.534T>C (p.Ala178=)

Gene: UTP4 (UTP4 small subunit processome component). Cytogenetic location: 16q22.1.
Variant type: single nucleotide variant.
Coding change: c.534T>C on transcript NM_032830.3 (MANE Select); coding-DNA position 534, T replaced by C.
Protein change: p.Ala178=; no amino-acid change (alanine 178 retained).
Molecular consequence: synonymous variant.
Genome position (GRCh38, 1-based): chr16:69,143,185, T>C. VCF-style: chr16-69143185-T-C. GRCh37 (hg19) VCF-style: chr16-69177088-T-C.
Other names: c.285T>C, p.Ala95= (NM_001318391.2).
Identifiers: ClinVar variation 3029319 (VCV003029319.4), dbSNP rs766781882, ClinGen allele CA8132086.